The following is an entry in ClinVar:

ClinVar aggregate classification (germline): Benign. Review status: criteria provided, multiple submitters, no conflicts (2 of 4 stars). 2 submissions from 2 submitters: Benign (2). Last evaluated 2017-04-27.

Conditions:
X-linked lymphoproliferative disease due to XIAP deficiency. Also called: XIAP DEFICIENCY; XIAP-Related Lymphoproliferative Disease, X-Linked. Identifiers: Orphanet 2442, Orphanet 538934, MedGen C1845076, MONDO:0010385, OMIM 300635.

Allele frequency attached by ClinVar (database versions not stated): gnomAD 0.18875 and 0.19594; TOPMed 0.19302; gnomAD exomes 0.23721 and 0.24223; 1000 Genomes Project 30x 0.25744; 1000 Genomes Project 0.26649; ExAC 0.31116.
gnomAD v4.1: 72,844 of 326,921 alleles (22%); highest among the groups gnomAD compares: South Asian, 39%; 5,175 homozygotes.

Submissions (2):

Illumina Laboratory Services, Illumina
Classification: Benign for X-linked lymphoproliferative disease due to XIAP deficiency. Last evaluated: 2017-04-27. Review status: criteria provided, single submitter. Criteria: ICSL Variant Classification Criteria 13 December 2019. Collection method: clinical testing. Allele origin: germline.
Comment: This variant was observed as part of a predisposition screen in an ostensibly healthy population. A literature search was performed for the gene, cDNA change, and amino acid change (where applicable). No publications were found based on this search. Allele frequency data from public databases was too high to be consistent with this variant causing disease. Therefore, this variant is classified as benign.

Breakthrough Genomics
Classification: Benign. Review status: criteria provided, single submitter. Criteria: ACMG Guidelines, 2015. Collection method: not provided. Allele origin: germline. Inheritance: X-linked inheritance. Affected: yes.

NM_001167.4(XIAP):c.*2845C>T

Gene: XIAP (X-linked inhibitor of apoptosis; plus strand). Cytogenetic location: Xq25.
Variant type: single nucleotide variant.
Coding change: c.*2845C>T on transcript NM_001167.4 (MANE Select); 2845 bases downstream of the stop codon, C replaced by T.
Molecular consequence: 3 prime UTR variant. On other transcripts: non-coding transcript variant (2).
Genome position (GRCh38, 1-based): chrX:123,910,026, C>T. VCF-style: chrX-123910026-C-T. GRCh37 (hg19) VCF-style: chrX-123043876-C-T.
Other names: c.*2845C>T (NM_001204401.2, NM_001378590.1, NM_001378591.1 and 1 more transcripts).
Identifiers: ClinVar variation 367816 (VCV000367816.6), dbSNP rs17330644, ClinGen allele CA10508290.